The following is an entry in ClinVar:

ClinVar aggregate classification (germline): Uncertain significance. Review status: criteria provided, multiple submitters, no conflicts (2 of 4 stars). 2 submissions from 2 submitters: Uncertain significance (2). Last evaluated 2024-05-27.

Conditions:
Autosomal dominant familial hematuria-retinal arteriolar tortuosity-contractures syndrome. Also called: Angiopathy, hereditary, with nephropathy, aneurysms, and muscle cramps; Hereditary Angiopathy with Nephropathy, Aneurysms, and Muscle Cramps (HANAC) Syndrome. Identifiers: Orphanet 73229, MedGen C2673195, MONDO:0012726, OMIM 611773.
Hemorrhage, intracerebral, susceptibility to (ICH). Also called: Stroke, hemorrhagic, susceptibility to. Identifiers: MedGen C3281105, MONDO:0100533, OMIM 614519.
Microangiopathy and leukoencephalopathy, pontine, autosomal dominant. Also called: DEMENTIA, HEREDITARY MULTI-INFARCT, SWEDISH TYPE; Pontine autosomal dominant microangiopathy with leukoencephalopathy. Identifiers: Orphanet 477749, MedGen C5231411, MONDO:0032814, OMIM 618564.
Brain small vessel disease 1 with or without ocular anomalies (BSVD1). Also called: Brain small vessel disease with or without ocular anomalies; BRAIN SMALL VESSEL DISEASE WITH HEMORRHAGE; PORENCEPHALY, TYPE 1, AUTOSOMAL DOMINANT; GOULD SYNDROME 1. Identifiers: Orphanet 2940, Orphanet 36383, Orphanet 99810, MedGen C4755307, MONDO:0008289, OMIM 175780.
Retinal arterial tortuosity. Also called: RETINAL HEMORRHAGE WITH VASCULAR TORTUOSITY; Retinal arteries, tortuosity of. Identifiers: Orphanet 75326, MedGen C0423401, MONDO:0008373, OMIM 180000, HP:0000631.

Allele frequency attached by ClinVar (database versions not stated): gnomAD exomes below 0.00001; TOPMed below 0.00001.
gnomAD v4.1: 2 of 1,613,536 alleles (0.00012%); highest among the groups gnomAD compares: African/African-American, 0.0027%; no homozygotes.

Submissions (2):

Fulgent Genetics
Classification: Uncertain significance for Brain small vessel disease 1 with or without ocular anomalies; Retinal arterial tortuosity; Autosomal dominant familial hematuria-retinal arteriolar tortuosity-contractures syndrome; Hemorrhage, intracerebral, susceptibility to; Microangiopathy and leukoencephalopathy, pontine, autosomal dominant. Last evaluated: 2024-05-27. Review status: criteria provided, single submitter. Criteria: ACMG Guidelines, 2015. Collection method: clinical testing. Allele origin: germline.

Labcorp Genetics (formerly Invitae), Labcorp
Classification: Uncertain significance. Last evaluated: 2023-12-13. Review status: criteria provided, single submitter. Criteria: Invitae Variant Classification Sherloc (09022015). Collection method: clinical testing. Allele origin: germline.
Comment: This sequence change replaces aspartic acid, which is acidic and polar, with glutamic acid, which is acidic and polar, at codon 158 of the COL4A1 protein (p.Asp158Glu). This variant is present in population databases (no rsID available, gnomAD 0.01%). This variant has not been reported in the literature in individuals affected with COL4A1-related conditions. Advanced modeling of protein sequence and biophysical properties (such as structural, functional, and spatial information, amino acid conservation, physicochemical variation, residue mobility, and thermodynamic stability) performed at Invitae indicates that this missense variant is not expected to disrupt COL4A1 protein function with a negative predictive value of 95%. In summary, the available evidence is currently insufficient to determine the role of this variant in disease. Therefore, it has been classified as a Variant of Uncertain Significance.

NM_001845.6(COL4A1):c.474T>G (p.Asp158Glu)

Gene: COL4A1 (collagen type IV alpha 1 chain; minus strand). Cytogenetic location: 13q34.
Variant type: single nucleotide variant.
Coding change: c.474T>G on transcript NM_001845.6 (MANE Select); coding-DNA position 474, T replaced by G.
Protein change: p.Asp158Glu; replaces aspartic acid 158 with glutamic acid.
Molecular consequence: missense variant.
Genome position (GRCh38, 1-based): chr13:110,210,207, A>C on the plus strand (T>G on the coding strand, the complement: COL4A1 is on the minus strand). VCF-style: chr13-110210207-A-C. GRCh37 (hg19) VCF-style: chr13-110862554-A-C.
Other names: c.474T>G, p.Asp158Glu (NM_001303110.2); short protein forms D158E.
Identifiers: ClinVar variation 2995178 (VCV002995178.4), dbSNP rs1472592735, ClinGen allele CA388725723.